The following is an entry in ClinVar:

NM_015311.3(OBSL1):c.962C>T (p.Ala321Val)

Gene: OBSL1 (obscurin like cytoskeletal adaptor 1; minus strand). Cytogenetic location: 2q35.
Variant type: single nucleotide variant.
Coding change: c.962C>T on transcript NM_015311.3 (MANE Select); coding-DNA position 962, C replaced by T.
Protein change: p.Ala321Val; replaces alanine 321 with valine.
Molecular consequence: missense variant.
Genome position (GRCh38, 1-based): chr2:219,570,271, G>A on the plus strand (C>T on the coding strand, the complement: OBSL1 is on the minus strand). VCF-style: chr2-219570271-G-A. GRCh37 (hg19) VCF-style: chr2-220434993-G-A.
Other names: c.962C>T, p.Ala321Val (NM_001173408.2, NM_001173431.2); short protein forms A321V.
Identifiers: ClinVar variation 2169455 (VCV002169455.2), dbSNP rs750505464, ClinGen allele CA66038733.
Genomic context (GRCh38, chr2:219,570,271, plus strand): 5'-TCCGCCGTACCTTTCACGTGCAGCTGCACGGCACTGAGCGTCTGGCCCGCCGAGTTGCGC[G>A]CGGCGCAGACGTAGAGCCCACGATCCTTGGCCTGGCAGTAAAGCACCTTGAGCACGAAGC-3'
Protein context (NP_056126.1, residues 311-331): AKDRGLYVCA[Ala321Val]RNSAGQTLSA

ClinVar aggregate classification (germline): Uncertain significance. Review status: criteria provided, multiple submitters, no conflicts (2 of 4 stars). 2 submissions from 2 submitters: Uncertain significance (2). Last evaluated 2022-11-03.

Allele frequency attached by ClinVar (database versions not stated): TOPMed 0.00002.
gnomAD v4.1: 27 of 1,600,562 alleles (0.0017%); highest among the groups gnomAD compares: Admixed American, 0.0034%; no homozygotes.

Submissions (2):

Blueprint Genetics
Classification: Uncertain significance. Last evaluated: 2022-11-03. Review status: criteria provided, single submitter. Criteria: ACMG Guidelines, 2015. Collection method: clinical testing. Allele origin: germline.

Labcorp Genetics (formerly Invitae), Labcorp
Classification: Uncertain significance. Last evaluated: 2022-07-26. Review status: criteria provided, single submitter. Criteria: Invitae Variant Classification Sherloc (09022015). Collection method: clinical testing. Allele origin: germline.
Comment: This sequence change replaces alanine, which is neutral and non-polar, with valine, which is neutral and non-polar, at codon 321 of the OBSL1 protein (p.Ala321Val). This variant is present in population databases (no rsID available, gnomAD 0.002%). This variant has not been reported in the literature in individuals affected with OBSL1-related conditions. Algorithms developed to predict the effect of missense changes on protein structure and function are either unavailable or do not agree on the potential impact of this missense change (SIFT: "Deleterious"; PolyPhen-2: "Probably Damaging"; Align-GVGD: "Class C0"). Algorithms developed to predict the effect of sequence changes on RNA splicing suggest that this variant may create or strengthen a splice site. In summary, the available evidence is currently insufficient to determine the role of this variant in disease. Therefore, it has been classified as a Variant of Uncertain Significance.